The following is an entry in ClinVar:

ClinVar aggregate classification (germline): Likely benign. Review status: criteria provided, multiple submitters, no conflicts (2 of 4 stars). 3 submissions from 3 submitters: Likely benign (2). 1 of the submissions does not count toward it. Last evaluated 2025-12-09.

Conditions:
RNF213-related disorder. Also called: RNF213-related condition.
Inborn genetic diseases. Identifiers: MedGen C0950123, MeSH D030342.

Allele frequency attached by ClinVar (database versions not stated): gnomAD 0.00002; ExAC 0.00003; TOPMed 0.00003.
gnomAD v4.1: 111 of 1,614,046 alleles (0.0069%); highest among the groups gnomAD compares: Middle Eastern, 0.016%; 1 homozygote.

Submissions (3):

Ambry Genetics
Classification: Likely benign for Inborn genetic diseases. Last evaluated: 2025-12-09. Review status: criteria provided, single submitter. Criteria: Ambry Variant Classification Scheme 2023. Collection method: clinical testing. Allele origin: germline.

CeGaT Center for Human Genetics Tuebingen
Classification: Likely benign. Last evaluated: 2025-08-01. Review status: criteria provided, single submitter. Criteria: CeGaT Center For Human Genetics Tuebingen Variant Classification Criteria Version 2. Collection method: clinical testing. Allele origin: germline. Affected: yes. Observed: 1 variant allele.
Comment: RNF213: BP4, BP7

PreventionGenetics, part of Exact Sciences
Classification: Likely benign for RNF213-related condition. Last evaluated: 2019-06-18. Review status: no assertion criteria provided. Collection method: clinical testing. Allele origin: germline. Not counted in ClinVar's aggregate classification.
Comment: This variant is classified as likely benign based on ACMG/AMP sequence variant interpretation guidelines (Richards et al. 2015 PMID: 25741868, with internal and published modifications).

NM_001256071.3(RNF213):c.2616C>T (p.Ala872=)

Gene: RNF213 (ring finger protein 213; plus strand). Cytogenetic location: 17q25.3.
Variant type: single nucleotide variant.
Coding change: c.2616C>T on transcript NM_001256071.3 (MANE Select); coding-DNA position 2616, C replaced by T.
Protein change: p.Ala872=; no amino-acid change (alanine 872 retained).
Molecular consequence: synonymous variant.
Genome position (GRCh38, 1-based): chr17:80,309,132, C>T. VCF-style: chr17-80309132-C-T. GRCh37 (hg19) VCF-style: chr17-78282932-C-T.
Other names: c.2763C>T, p.Ala921= (NM_001410195.1, NM_020914.5); c.2616C>T, p.Ala872= (NM_020954.4); c.2763C>T (NM_020914.4).
Identifiers: ClinVar variation 3034372 (VCV003034372.10), dbSNP rs771952527, ClinGen allele CA8819922.
Genomic context (GRCh38, chr17:80,309,132, plus strand): 5'-TGAAGCCATCTGCAGCAGCACAAAGCTACTTAAGTTTTACGAGCTGCCAGCCTTATCTGC[C>T]GAGATTGTCTGCAGAATGATTAGACTTCTATCTCTGGTGGTAAGTGGAGTCAACACACAA-3'
Protein context (NP_001243000.2, residues 862-882): LKFYELPALS[Ala872=]EIVCRMIRLL